The following is an entry in ClinVar:

NM_006828.4(ASCC3):c.3223C>G (p.Leu1075Val)

Gene: ASCC3 (activating signal cointegrator 1 complex subunit 3; minus strand). Cytogenetic location: 6q16.3.
Variant type: single nucleotide variant.
Coding change: c.3223C>G on transcript NM_006828.4 (MANE Select); coding-DNA position 3223, C replaced by G.
Protein change: p.Leu1075Val; replaces leucine 1075 with valine.
Molecular consequence: missense variant.
Genome position (GRCh38, 1-based): chr6:100,650,567, G>C on the plus strand (C>G on the coding strand, the complement: ASCC3 is on the minus strand). VCF-style: chr6-100650567-G-C. GRCh37 (hg19) VCF-style: chr6-101098443-G-C.
Other names: short protein forms L1075V.
Identifiers: ClinVar variation 3359314 (VCV003359314.2).

ClinVar aggregate classification (germline): Uncertain significance (1 of 4 stars; one submission).

Submission:

GeneDx
Classification: Uncertain significance. Last evaluated: 2025-10-11. Review status: criteria provided, single submitter. Criteria: GeneDx Variant Classification Process June 2021. Collection method: clinical testing. Allele origin: germline.
Comment: Not observed at significant frequency in large population cohorts (gnomAD); In silico analysis supports that this missense variant has a deleterious effect on protein structure/function; Has not been previously published as pathogenic or benign to our knowledge